The following is an entry in ClinVar:

ClinVar aggregate classification (germline): Benign/Likely benign. Review status: criteria provided, multiple submitters, no conflicts (2 of 4 stars). 9 submissions from 9 submitters: Benign (4); Likely benign (2). 3 of the submissions do not count toward it. Last evaluated 2026-02-02.

Conditions:
Inborn genetic diseases. Identifiers: MedGen C0950123, MeSH D030342.
Mucopolysaccharidosis, MPS-II (MPS2). Also called: IDURONATE 2-SULFATASE DEFICIENCY; Mucopolysaccharidosis Type II; IDS deficiency; Sulfoiduronate sulfatase deficiency; SIDS deficiency; Mucopolysaccharidosis with skin involvement. Identifiers: Orphanet 580, Orphanet 79388, MedGen C0026705, MONDO:0010674, OMIM 309900.
Mucopolysaccharidosis, MPS-III-A (MPS3A). Also called: Mucopolysaccharidosis, type IIIA; MPS III A; MUCOPOLYSACCHARIDOSIS, TYPE IIIA, ATTENUATED; SANFILIPPO SYNDROME A; SULFAMIDASE DEFICIENCY; mucopolysaccharidosis type 3A. Identifiers: Orphanet 581, Orphanet 79269, MedGen C0086647, MONDO:0009655, OMIM 252900.

Allele frequency attached by ClinVar (database versions not stated): 1000 Genomes Project 0.00583; 1000 Genomes Project 30x 0.00666; gnomAD exomes 0.00049 and 0.00133; ExAC 0.00142; ESP Exome Variant Server 0.00473; TOPMed 0.00487; gnomAD 0.00488 and 0.00467.
gnomAD v4.1: 1,098 of 1,209,156 alleles (0.091%); highest among the groups gnomAD compares: African/African-American, 1.6%; 7 homozygotes.

Submissions (9):

Labcorp Genetics (formerly Invitae), Labcorp
Classification: Benign for Mucopolysaccharidosis, MPS-II. Last evaluated: 2026-02-02. Review status: criteria provided, single submitter. Criteria: Invitae Variant Classification Sherloc (09022015). Collection method: clinical testing. Allele origin: germline.

Women's Health and Genetics/Laboratory Corporation of America, LabCorp
Classification: Likely benign. Last evaluated: 2026-01-12. Review status: criteria provided, single submitter. Criteria: LabCorp Variant Classification Summary - May 2015. Collection method: clinical testing. Allele origin: germline.
Comment: Variant summary: IDS c.925A>G (p.Thr309Ala) results in a non-conservative amino acid change in the encoded protein sequence. Algorithms developed to predict the effect of missense changes on protein structure and function are either unavailable or do not agree on the potential impact of this missense change. The variant allele was found at a frequency of 0.0013 in 183431 control chromosomes, predominantly at a frequency of 0.016 within the African or African-American subpopulation in the gnomAD database, including 1 homozygote and 52 hemizygotes. The observed variant frequency within African or African-American control individuals in the gnomAD database exceeds the estimated maximal expected allele frequency for disease-causing variants in IDS. c.925A>G has been observed in an individual(s) affected with Mucopolysaccharidosis Type II (Hunter Syndrome)(e.g. Gort_1998). These report(s) do not provide unequivocal conclusions about association of the variant with Mucopolysaccharidosis Type II (Hunter Syndrome). To our knowledge, no experimental evidence demonstrating an impact on protein function has been reported. The following publication has been ascertained in the context of this evaluation (PMID: 9762601). ClinVar contains an entry for this variant (Variation ID: 198405). Based on the evidence outlined above, the variant was classified as likely benign.

Blueprint Genetics
Classification: Likely benign. Last evaluated: 2024-11-11. Review status: criteria provided, single submitter. Criteria: ACMG Guidelines, 2015. Collection method: clinical testing. Allele origin: germline.

Mendelics
Classification: Benign for Mucopolysaccharidosis, MPS-II. Last evaluated: 2019-05-28. Review status: criteria provided, single submitter. Criteria: Mendelics Assertion Criteria 2017. Collection method: clinical testing. Allele origin: unknown.

Ambry Genetics
Classification: Benign for Inborn genetic diseases. Last evaluated: 2016-04-18. Review status: criteria provided, single submitter. Criteria: Ambry Variant Classification Scheme 2023. Collection method: clinical testing. Allele origin: germline.

Eurofins Ntd Llc (ga)
Classification: Benign. Last evaluated: 2015-01-06. Review status: criteria provided, single submitter. Criteria: EGL Classification Definitions 2015. Collection method: clinical testing. Allele origin: germline. Observed: 2 variant alleles, 1 heterozygote, 1 hemizygote.

Mayo Clinic Laboratories, Mayo Clinic
Classification: Likely benign. Last evaluated: 2024-06-03. Review status: no assertion criteria provided. Collection method: clinical testing. Allele origin: unknown. Not counted in ClinVar's aggregate classification.
Comment: BS1, BS2

Natera, Inc.
Classification: Benign for Mucopolysaccharidosis type IIIA. Last evaluated: 2020-04-12. Review status: no assertion criteria provided. Collection method: clinical testing. Allele origin: germline. Not counted in ClinVar's aggregate classification.

Laboratory of Diagnosis and Therapy of Lysosomal Disorders, University of Padova
Classification: Likely pathogenic for Mucopolysaccharidosis, MPS-II. Last evaluated: 2024-06-07. Review status: flagged submission. Criteria: ACMG Guidelines, 2015. Collection method: literature only. Allele origin: germline. Affected: yes. Observed: 2 variant alleles. Not counted in ClinVar's aggregate classification.
Comment: De novo (PS2_Moderate), Absent from controls (or at low frequency) in gnomAD database (PM2_Moderate), Missense variant in a gene with a low rate of benign missense variation (PP2_Supporting), Patient’s phenotype or family history highly specific for the disease (PP4_Strong), Multiple lines of computational evidence suggest no impact on gene or gene product (BP4_Supporting)

Classification method: ACMG Guidelines [PMID:25741868] with modifications
ClinVar note: Reason: Outlier claim with insufficient supporting evidence

Literature cited by the submitters: PubMed 9762601 (cited by Women's Health and Genetics/Laboratory Corporation of America, LabCorp and Laboratory of Diagnosis and Therapy of Lysosomal Disorders, University of Padova); PubMed 23800320 (cited by Laboratory of Diagnosis and Therapy of Lysosomal Disorders, University of Padova).

NM_000202.8(IDS):c.925A>G (p.Thr309Ala)

Genes: IDS (iduronate 2-sulfatase; minus strand), LOC106050102 (IDS recombination region; plus strand). Cytogenetic location: Xq28.
Variant type: single nucleotide variant.
Coding change: c.925A>G on transcript NM_000202.8 (MANE Select); coding-DNA position 925, A replaced by G.
Protein change: p.Thr309Ala; replaces threonine 309 with alanine.
Molecular consequence: missense variant. On other transcripts: non-coding transcript variant (1).
Genome position (GRCh38, 1-based): chrX:149,490,395, T>C on the plus strand (A>G on the coding strand, the complement: IDS is on the minus strand). VCF-style: chrX-149490395-T-C. GRCh37 (hg19) VCF-style: chrX-148571926-T-C.
Other names: c.655A>G, p.Thr219Ala (NM_001166550.4); c.925A>G, p.Thr309Ala (NM_006123.5); short protein forms T309A, T219A.
Identifiers: ClinVar variation 198405 (VCV000198405.62), dbSNP rs145807417, ClinGen allele CA203395.